The following is an entry in ClinVar:

NM_000548.5(TSC2):c.4541C>G (p.Ser1514Ter)

Gene: TSC2 (TSC complex subunit 2; plus strand). Cytogenetic location: 16p13.3.
Variant type: single nucleotide variant.
Coding change: c.4541C>G on transcript NM_000548.5 (MANE Select); coding-DNA position 4541, C replaced by G.
Protein change: p.Ser1514Ter; replaces serine 1514 with a stop codon.
Molecular consequence: nonsense.
Genome position (GRCh38, 1-based): chr16:2,084,998, C>G. VCF-style: chr16-2084998-C-G. GRCh37 (hg19) VCF-style: chr16-2134999-C-G.
Other names: c.4340C>G, p.Ser1447Ter (NM_001077183.3); c.4472C>G, p.Ser1491Ter (NM_001114382.3); c.4232C>G, p.Ser1411Ter (NM_001318827.2); c.4196C>G, p.Ser1399Ter (NM_001318829.2); c.3809C>G, p.Ser1270Ter (NM_001318831.2); c.4373C>G, p.Ser1458Ter (NM_001318832.2); c.4343C>G, p.Ser1448Ter (NM_001363528.2); c.4409C>G, p.Ser1470Ter (NM_001370404.1); and 1 more; short protein forms S1514*, S1270*, S1470*, S1491*, S1447*, S1448*, S1399*, S1411*.
Identifiers: ClinVar variation 620335 (VCV000620335.1), dbSNP rs74363455, ClinGen allele CA394302943.
Genomic context (GRCh38, chr16:2,084,998, plus strand): 5'-CCTCCCTGTGCAGTTTCGTGTTCCTGCAGCTCTACCATTCCCCCTTCTTTGGCGACGAGT[C>G]AAACAAGCCAATCCTGCTGCCCAATGAGGTAGGCGTGGCCTCCCTCTCCTGCATCCGCTG-3'

ClinVar aggregate classification (germline): Pathogenic (1 of 4 stars; one submission).

Submission:

GeneDx
Classification: Pathogenic. Last evaluated: 2018-08-20. Review status: criteria provided, single submitter. Criteria: GeneDx Variant Classification (06012015). Collection method: clinical testing. Allele origin: germline. Affected: yes.
Comment: The S1514X nonsense variant in the TSC2 gene is predicted to cause loss of normal protein function either through protein truncation or nonsense-mediated mRNA decay. The S1514X variant is not observed in large population cohorts (Lek et al., 2016).